The following is an entry in ClinVar:

ClinVar aggregate classification (germline): Uncertain significance (1 of 4 stars; one submission).

Conditions:
Brugada syndrome 4 (BRGDA4). Identifiers: Orphanet 130, MedGen C2678477, MONDO:0012743, OMIM 611876.

Allele frequency attached by ClinVar (database versions not stated): gnomAD exomes below 0.00001.
gnomAD v4.1: 2 of 1,613,996 alleles (0.00012%); highest among the groups gnomAD compares: Non-Finnish European, 0.00017%; no homozygotes.

Submission:

Labcorp Genetics (formerly Invitae), Labcorp
Classification: Uncertain significance for Brugada syndrome 4. Last evaluated: 2020-02-18. Review status: criteria provided, single submitter. Criteria: Invitae Variant Classification Sherloc (09022015). Collection method: clinical testing. Allele origin: germline.
Comment: In summary, the available evidence is currently insufficient to determine the role of this variant in disease. Therefore, it has been classified as a Variant of Uncertain Significance. Algorithms developed to predict the effect of missense changes on protein structure and function are either unavailable or do not agree on the potential impact of this missense change (SIFT: "Deleterious"; PolyPhen-2: "Benign"; Align-GVGD: "Class C0"). This variant has not been reported in the literature in individuals with CACNB2-related conditions. This variant is not present in population databases (ExAC no frequency). This sequence change replaces proline with arginine at codon 470 of the CACNB2 protein (p.Pro470Arg). The proline residue is highly conserved and there is a moderate physicochemical difference between proline and arginine.

NM_201596.3(CACNB2):c.1571C>G (p.Pro524Arg)

Gene: CACNB2 (calcium voltage-gated channel auxiliary subunit beta 2; plus strand). Cytogenetic location: 10p12.31.
Variant type: single nucleotide variant.
Coding change: c.1571C>G on transcript NM_201596.3 (MANE Select); coding-DNA position 1571, C replaced by G.
Protein change: p.Pro524Arg; replaces proline 524 with arginine.
Molecular consequence: missense variant.
Genome position (GRCh38, 1-based): chr10:18,539,312, C>G. VCF-style: chr10-18539312-C-G. GRCh37 (hg19) VCF-style: chr10-18828241-C-G.
Other names: c.1427C>G, p.Pro476Arg (NM_201570.3); c.1487C>G, p.Pro496Arg (NM_201571.4); c.1415C>G, p.Pro472Arg (NM_201572.4); c.1409C>G, p.Pro470Arg (NM_201590.3); c.1457C>G, p.Pro486Arg (NM_201593.3); c.1499C>G, p.Pro500Arg (NM_201597.3); c.1406C>G, p.Pro469Arg (NM_000724.4); c.1373C>G, p.Pro458Arg (NM_001167945.2); and 1 more; short protein forms P431R, P458R, P469R, P470R, P472R, P476R, P486R, P496R.
Identifiers: ClinVar variation 1057638 (VCV001057638.9), dbSNP rs1238888276, ClinGen allele CA376071349.
Genomic context (GRCh38, chr10:18,539,312, plus strand): 5'-CTGATCGCTCCGCTCCTATCCGTTCTGCTTCCCAAGCTGAAGAAGAACCTAGTGTGGAAC[C>G]AGTCAAGAAATCCCAGCACCGCTCTTCCTCCTCAGCCCCACACCACAACCATCGCAGTGG-3'
Protein context (NP_963890.2, residues 514-534): SQAEEEPSVE[Pro524Arg]VKKSQHRSSS